The following is an entry in ClinVar:

ClinVar aggregate classification (germline): Conflicting classifications of pathogenicity. Review status: criteria provided, conflicting classifications (1 of 4 stars). 7 submissions from 7 submitters: Uncertain significance (1); Benign (1); Likely benign (5). Last evaluated 2026-01-18.

Conditions:
Inborn genetic diseases. Identifiers: MedGen C0950123, MeSH D030342.
Familial cutaneous telangiectasia and oropharyngeal predisposition cancer syndrome. Identifiers: Orphanet 313846, MedGen C3281203, MONDO:0013806, OMIM 614564.

Allele frequency attached by ClinVar (database versions not stated): ExAC 0.00038; ESP Exome Variant Server 0.00015; 1000 Genomes Project 30x 0.00016; 1000 Genomes Project 0.00020; gnomAD 0.00021 and 0.00024; gnomAD exomes 0.00026 and 0.00032; TOPMed 0.00032.
gnomAD v4.1: 448 of 1,613,552 alleles (0.028%); highest among the groups gnomAD compares: Middle Eastern, 0.53%; 3 homozygotes.

Submissions (7):

Labcorp Genetics (formerly Invitae), Labcorp
Classification: Benign. Last evaluated: 2026-01-18. Review status: criteria provided, single submitter. Criteria: Invitae Variant Classification Sherloc (09022015). Collection method: clinical testing. Allele origin: germline.

Blueprint Genetics
Classification: Likely benign. Last evaluated: 2024-11-18. Review status: criteria provided, single submitter. Criteria: ACMG Guidelines, 2015. Collection method: clinical testing. Allele origin: germline.

KCCC/NGS Laboratory, Kuwait Cancer Control Center
Classification: Likely benign for Familial cutaneous telangiectasia and oropharyngeal predisposition cancer syndrome. Last evaluated: 2023-07-07. Review status: criteria provided, single submitter. Criteria: ACMG Guidelines, 2015. Collection method: clinical testing. Allele origin: germline. Affected: yes.

CeGaT Center for Human Genetics Tuebingen
Classification: Likely benign. Last evaluated: 2023-01-01. Review status: criteria provided, single submitter. Criteria: CeGaT Center For Human Genetics Tuebingen Variant Classification Criteria Version 2. Collection method: clinical testing. Allele origin: germline. Affected: yes. Observed: 2 variant alleles.
Comment: ATR: BP4, BS2

Ambry Genetics
Classification: Likely benign for Inborn genetic diseases. Last evaluated: 2022-02-13. Review status: criteria provided, single submitter. Criteria: Ambry Variant Classification Scheme 2023. Collection method: clinical testing. Allele origin: germline.

GeneDx
Classification: Uncertain significance. Last evaluated: 2019-08-29. Review status: criteria provided, single submitter. Criteria: GeneDx Variant Classification Process June 2021. Collection method: clinical testing. Allele origin: germline. Affected: yes.
Comment: Has not been previously published as pathogenic or benign to our knowledge; In silico analysis, which includes splice predictors and evolutionary conservation, suggests this variant may impact gene splicing. In the absence of RNA/functional studies, the actual effect of this sequence change is unknown.

Genetic Services Laboratory, University of Chicago
Classification: Likely benign. Last evaluated: 2016-01-12. Review status: criteria provided, single submitter. Criteria: ACMG Guidelines, 2015. Collection method: clinical testing. Allele origin: germline. Affected: no.

NM_001184.4(ATR):c.483A>G (p.Arg161=)

Gene: ATR (ATR checkpoint kinase; minus strand). Cytogenetic location: 3q23.
Variant type: single nucleotide variant.
Coding change: c.483A>G on transcript NM_001184.4 (MANE Select); coding-DNA position 483, A replaced by G.
Protein change: p.Arg161=; no amino-acid change (arginine 161 retained).
Molecular consequence: synonymous variant.
Genome position (GRCh38, 1-based): chr3:142,562,919, T>C on the plus strand (A>G on the coding strand, the complement: ATR is on the minus strand). VCF-style: chr3-142562919-T-C. GRCh37 (hg19) VCF-style: chr3-142281761-T-C.
Other names: c.483A>G, p.Arg161= (NM_001354579.2).
Identifiers: ClinVar variation 157990 (VCV000157990.55), dbSNP rs182268224, ClinGen allele CA345985.